The following is an entry in ClinVar:

ClinVar aggregate classification (germline): Uncertain significance. Review status: criteria provided, multiple submitters, no conflicts (2 of 4 stars). 3 submissions from 3 submitters: Uncertain significance (2). 1 of the submissions does not count toward it. Last evaluated 2025-10-01.

Conditions:
Hereditary spastic paraplegia 3A (SPG3A). Also called: SPASTIC PARAPLEGIA 3, AUTOSOMAL DOMINANT; FAMILIAL SPASTIC PARAPLEGIA, AUTOSOMAL DOMINANT, 1; SPG3; STRUMPELL DISEASE; Spastic Paraplegia 3A; Spastic paraplegia 3A, autosomal dominant. Identifiers: Orphanet 100984, MedGen C2931355, MONDO:0008437, OMIM 182600.
Neuropathy, hereditary sensory, type 1D. Identifiers: Orphanet 36386, MedGen C3150972, MONDO:0013381, OMIM 613708.

Allele frequency attached by ClinVar (database versions not stated): gnomAD exomes 0.00003 and 0.00002; gnomAD 0.00006; ExAC 0.00002; TOPMed 0.00006.
gnomAD v4.1: 52 of 1,594,694 alleles (0.0033%); highest among the groups gnomAD compares: Middle Eastern, 0.017%; no homozygotes.

Submissions (3):

CeGaT Center for Human Genetics Tuebingen
Classification: Uncertain significance. Last evaluated: 2025-10-01. Review status: criteria provided, single submitter. Criteria: CeGaT Center For Human Genetics Tuebingen Variant Classification Criteria Version 2. Collection method: clinical testing. Allele origin: germline. Affected: yes. Observed: 1 variant allele.
Comment: ATL1: PP3

Labcorp Genetics (formerly Invitae), Labcorp
Classification: Uncertain significance for Hereditary spastic paraplegia 3A. Last evaluated: 2024-07-22. Review status: criteria provided, single submitter. Criteria: Invitae Variant Classification Sherloc (09022015). Collection method: clinical testing. Allele origin: germline.
Comment: This sequence change replaces serine, which is neutral and polar, with asparagine, which is neutral and polar, at codon 519 of the ATL1 protein (p.Ser519Asn). This variant is present in population databases (rs751861796, gnomAD 0.006%). This missense change has been observed in individual(s) with clinical features of ATL1-related conditions (PMID: 15596607; Invitae). ClinVar contains an entry for this variant (Variation ID: 538582). Advanced modeling of protein sequence and biophysical properties (such as structural, functional, and spatial information, amino acid conservation, physicochemical variation, residue mobility, and thermodynamic stability) performed at Invitae indicates that this missense variant is not expected to disrupt ATL1 protein function with a negative predictive value of 95%. Experimental studies are conflicting or provide insufficient evidence to determine the effect of this variant on ATL1 function (PMID: 17321752). In summary, the available evidence is currently insufficient to determine the role of this variant in disease. Therefore, it has been classified as a Variant of Uncertain Significance.

Inherited Neuropathy Consortium Ii, University Of Miami
Classification: Uncertain significance for Hereditary spastic paraplegia 3A. Last evaluated: 2016-01-06. Review status: no assertion criteria provided. Collection method: literature only. Allele origin: germline. Affected: yes. Not counted in ClinVar's aggregate classification.

Literature cited by the submitters: PubMed 15596607 (cited by Labcorp Genetics (formerly Invitae), Labcorp); PubMed 17321752 (cited by Labcorp Genetics (formerly Invitae), Labcorp); PubMed 24100245 (cited by Inherited Neuropathy Consortium Ii, University Of Miami).

NM_015915.5(ATL1):c.1556G>A (p.Ser519Asn)

Gene: ATL1 (atlastin GTPase 1; plus strand). Cytogenetic location: 14q22.1.
Variant type: single nucleotide variant.
Coding change: c.1556G>A on transcript NM_015915.5 (MANE Select); coding-DNA position 1556, G replaced by A.
Protein change: p.Ser519Asn; replaces serine 519 with asparagine.
Molecular consequence: missense variant. On other transcripts: intron variant (2).
Genome position (GRCh38, 1-based): chr14:50,629,999, G>A. VCF-style: chr14-50629999-G-A. GRCh37 (hg19) VCF-style: chr14-51096717-G-A.
Other names: c.1551+1537G>A (NM_001127713.1, NM_181598.4); short protein forms S519N.
Identifiers: ClinVar variation 538582 (VCV000538582.17), dbSNP rs751861796, ClinGen allele CA7180532.
Genomic context (GRCh38, chr14:50,629,999, plus strand): 5'-TTAATAAAGCAGGATATATACTTTTCTTTTTTCTTTTTAATCTGCCTTTGCCACAGGGAA[G>A]TACAAATGAGGTAAGTTAAATTTTTTAAAATTCAGAGCTATGTATGTGTAAACATTATGA-3'
Protein context (NP_056999.2, residues 509-529): QVAAALWDQG[Ser519Asn]TNEALYKLYS